The following is an entry in ClinVar:

NM_004168.4(SDHA):c.1895T>C (p.Val632Ala)

Gene: SDHA (succinate dehydrogenase complex flavoprotein subunit A; plus strand). Cytogenetic location: 5p15.33.
Variant type: single nucleotide variant.
Coding change: c.1895T>C on transcript NM_004168.4 (MANE Select); coding-DNA position 1895, T replaced by C.
Protein change: p.Val632Ala; replaces valine 632 with alanine.
Molecular consequence: missense variant.
Genome position (GRCh38, 1-based): chr5:254,493, T>C. VCF-style: chr5-254493-T-C. GRCh37 (hg19) VCF-style: chr5-254608-T-C.
Other names: c.1751T>C, p.Val584Ala (NM_001294332.2); c.1652T>C, p.Val551Ala (NM_001330758.2); short protein forms V584A, V551A, V632A.
Identifiers: ClinVar variation 663583 (VCV000663583.12), dbSNP rs774609159, ClinGen allele CA3173440.

ClinVar aggregate classification (germline): Uncertain significance. Review status: criteria provided, multiple submitters, no conflicts (2 of 4 stars). 2 submissions from 2 submitters: Uncertain significance (2). Last evaluated 2025-07-30.

Conditions:
Hereditary cancer-predisposing syndrome. Also called: Tumor predisposition; Neoplastic Syndromes, Hereditary; Hereditary Cancer Syndrome; Hereditary neoplastic syndrome. Identifiers: Orphanet 140162, MedGen C0027672, MeSH D009386, MONDO:0015356.
Pheochromocytoma/paraganglioma syndrome 5. Also called: Paragangliomas 5; SDHA-Related Hereditary Paraganglioma-Pheochromocytoma Syndrome. Identifiers: Orphanet 29072, MedGen C3279992, MONDO:0013602, OMIM 614165.
Mitochondrial complex II deficiency, nuclear type 1. Also called: SUCCINATE CoQ REDUCTASE DEFICIENCY. Identifiers: Orphanet 3208, MedGen C5700310, MONDO:0100294, OMIM 252011.

Allele frequency attached by ClinVar (database versions not stated): gnomAD exomes 0.00001; TOPMed 0.00001; gnomAD 0.00003; ExAC 0.00004.

Submissions (2):

Labcorp Genetics (formerly Invitae), Labcorp
Classification: Uncertain significance for Pheochromocytoma/paraganglioma syndrome 5; Mitochondrial complex II deficiency, nuclear type 1. Last evaluated: 2025-07-30. Review status: criteria provided, single submitter. Criteria: Invitae Variant Classification Sherloc (09022015). Collection method: clinical testing. Allele origin: germline.
Comment: This sequence change replaces valine, which is neutral and non-polar, with alanine, which is neutral and non-polar, at codon 632 of the SDHA protein (p.Val632Ala). This variant is present in population databases (rs774609159, gnomAD 0.006%). This variant has not been reported in the literature in individuals affected with SDHA-related conditions. ClinVar contains an entry for this variant (Variation ID: 663583). Invitae Evidence Modeling of protein sequence and biophysical properties (such as structural, functional, and spatial information, amino acid conservation, physicochemical variation, residue mobility, and thermodynamic stability) indicates that this missense variant is not expected to disrupt SDHA protein function with a negative predictive value of 95%. In summary, the available evidence is currently insufficient to determine the role of this variant in disease. Therefore, it has been classified as a Variant of Uncertain Significance.

Ambry Genetics
Classification: Uncertain significance for Hereditary cancer-predisposing syndrome. Last evaluated: 2025-04-04. Review status: criteria provided, single submitter. Criteria: Ambry Variant Classification Scheme 2023. Collection method: clinical testing. Allele origin: germline.
Comment: The p.V632A variant (also known as c.1895T>C), located in coding exon 14 of the SDHA gene, results from a T to C substitution at nucleotide position 1895. The valine at codon 632 is replaced by alanine, an amino acid with similar properties. This amino acid position is conserved. In addition, this alteration is predicted to be tolerated by in silico analysis. Since supporting evidence is limited at this time, the clinical significance of this alteration remains unclear.